The following is an entry in ClinVar:

ClinVar aggregate classification (germline): Uncertain significance (1 of 4 stars; one submission).

Conditions:
Charcot-Marie-Tooth disease type 2E (CMT2E). Also called: CHARCOT-MARIE-TOOTH DISEASE, AXONAL, TYPE 2E; CHARCOT-MARIE-TOOTH NEUROPATHY, TYPE 2E. Identifiers: Orphanet 99939, MedGen C1843225, MONDO:0011894, OMIM 607684.

Submission:

Labcorp Genetics (formerly Invitae), Labcorp
Classification: Uncertain significance for Charcot-Marie-Tooth disease type 2E. Last evaluated: 2023-01-26. Review status: criteria provided, single submitter. Criteria: Invitae Variant Classification Sherloc (09022015). Collection method: clinical testing. Allele origin: germline.
Comment: In summary, the available evidence is currently insufficient to determine the role of this variant in disease. Therefore, it has been classified as a Variant of Uncertain Significance. Advanced modeling of protein sequence and biophysical properties (such as structural, functional, and spatial information, amino acid conservation, physicochemical variation, residue mobility, and thermodynamic stability) performed at Invitae indicates that this missense variant is not expected to disrupt NEFL protein function. This variant has not been reported in the literature in individuals affected with NEFL-related conditions. This variant is not present in population databases (gnomAD no frequency). This sequence change replaces glutamic acid, which is acidic and polar, with lysine, which is basic and polar, at codon 228 of the NEFL protein (p.Glu228Lys).

NM_006158.5(NEFL):c.682G>A (p.Glu228Lys)

Gene: NEFL (neurofilament light chain; minus strand). Cytogenetic location: 8p21.2.
Variant type: single nucleotide variant.
Coding change: c.682G>A on transcript NM_006158.5 (MANE Select); coding-DNA position 682, G replaced by A.
Protein change: p.Glu228Lys; replaces glutamic acid 228 with lysine.
Molecular consequence: missense variant.
Genome position (GRCh38, 1-based): chr8:24,955,834, C>T on the plus strand (G>A on the coding strand, the complement: NEFL is on the minus strand). VCF-style: chr8-24955834-C-T. GRCh37 (hg19) VCF-style: chr8-24813348-C-T.
Other names: short protein forms E228K.
Identifiers: ClinVar variation 2832071 (VCV002832071.3), dbSNP rs895511770, ClinGen allele CA370621862.
Genomic context (GRCh38, chr8:24,955,834, plus strand): 5'-CCATCTCCACGGAGATCTGCGCGTACTGGATCTGCGCCTGCAGTTCGGCGATCTCCTCTT[C>T]GTGCACTTTCTTCAGAAAAGAGATTTCGTCCATCAAGCTGTCGATGCGCTTCTCGAGCTC-3'
Protein context (NP_006149.2, residues 218-238): DEISFLKKVH[Glu228Lys]EEIAELQAQI